The following is an entry in ClinVar:

ClinVar aggregate classification (germline): Uncertain significance (1 of 4 stars; one submission).

Conditions:
Nephronophthisis 15 (NPHP15). Identifiers: Orphanet 3156, MedGen C3541853, MONDO:0013917, OMIM 614845.

Submission:

Labcorp Genetics (formerly Invitae), Labcorp
Classification: Uncertain significance for Nephronophthisis 15. Last evaluated: 2025-11-17. Review status: criteria provided, single submitter. Criteria: Invitae Variant Classification Sherloc (09022015). Collection method: clinical testing. Allele origin: germline.
Comment: This sequence change replaces serine, which is neutral and polar, with threonine, which is neutral and polar, at codon 705 of the CEP164 protein (p.Ser705Thr). This variant is not present in population databases (gnomAD no frequency). This variant has not been reported in the literature in individuals affected with CEP164-related conditions. ClinVar contains an entry for this variant (Variation ID: 1471967). Invitae Evidence Modeling of protein sequence and biophysical properties (such as structural, functional, and spatial information, amino acid conservation, physicochemical variation, residue mobility, and thermodynamic stability) indicates that this missense variant is not expected to disrupt CEP164 protein function with a negative predictive value of 80%. In summary, the available evidence is currently insufficient to determine the role of this variant in disease. Therefore, it has been classified as a Variant of Uncertain Significance.

NM_014956.5(CEP164):c.2113T>A (p.Ser705Thr)

Gene: CEP164 (centrosomal protein 164; plus strand). Cytogenetic location: 11q23.3.
Variant type: single nucleotide variant.
Coding change: c.2113T>A on transcript NM_014956.5 (MANE Select); coding-DNA position 2113, T replaced by A.
Protein change: p.Ser705Thr; replaces serine 705 with threonine.
Molecular consequence: missense variant.
Genome position (GRCh38, 1-based): chr11:117,391,045, T>A. VCF-style: chr11-117391045-T-A. GRCh37 (hg19) VCF-style: chr11-117261761-T-A.
Other names: c.2122T>A, p.Ser708Thr (NM_001271933.2); short protein forms S705T, S708T.
Identifiers: ClinVar variation 1471967 (VCV001471967.6), dbSNP rs2136323032, ClinGen allele CA382722787.